The following is an entry in ClinVar:

NM_004960.4(FUS):c.1066+4T>C

Gene: FUS (FUS RNA binding protein; plus strand). Cytogenetic location: 16p11.2.
Variant type: single nucleotide variant.
Coding change: c.1066+4T>C on transcript NM_004960.4 (MANE Select); 4 bases into the intron after coding-DNA position 1066, T replaced by C.
Molecular consequence: intron variant.
Genome position (GRCh38, 1-based): chr16:31,189,798, T>C. VCF-style: chr16-31189798-T-C. GRCh37 (hg19) VCF-style: chr16-31201119-T-C.
Other names: c.1054+4T>C (NM_001170937.1); c.1063+4T>C (NM_001170634.1).
Identifiers: ClinVar variation 3749500 (VCV003749500.2).

ClinVar aggregate classification (germline): Uncertain significance (1 of 4 stars; one submission).

Conditions:
Tremor, hereditary essential, 4 (ETM4). Identifiers: MedGen C3539195, MONDO:0013888, OMIM 614782.
Amyotrophic lateral sclerosis type 6. Also called: FUS-Related Amyotrophic Laterial Sclerosis; Amyotrophic lateral sclerosis 6, with or without frontotemporal dementia; AMYOTROPHIC LATERAL SCLEROSIS 6 WITHOUT FRONTOTEMPORAL DEMENTIA. Identifiers: Orphanet 275872, Orphanet 803, MedGen C2931786, MONDO:0011951, OMIM 608030.

Submission:

Labcorp Genetics (formerly Invitae), Labcorp
Classification: Uncertain significance for Tremor, hereditary essential, 4; Amyotrophic lateral sclerosis type 6. Last evaluated: 2024-07-06. Review status: criteria provided, single submitter. Criteria: Invitae Variant Classification Sherloc (09022015). Collection method: clinical testing. Allele origin: germline.
Comment: This sequence change falls in intron 10 of the FUS gene. It does not directly change the encoded amino acid sequence of the FUS protein. It affects a nucleotide within the consensus splice site. This variant is not present in population databases (gnomAD no frequency). This variant has not been reported in the literature in individuals affected with FUS-related conditions. Variants that disrupt the consensus splice site are a relatively common cause of aberrant splicing (PMID: 17576681, 9536098). Algorithms developed to predict the effect of sequence changes on RNA splicing suggest that this variant is not likely to affect RNA splicing. In summary, the available evidence is currently insufficient to determine the role of this variant in disease. Therefore, it has been classified as a Variant of Uncertain Significance.

Literature cited by the submitters: PubMed 17576681; PubMed 9536098.